The following is an entry in ClinVar:

ClinVar aggregate classification (germline): Likely pathogenic (1 of 4 stars; one submission).

Conditions:
Fanconi anemia (FA). Also called: Fanconi's anemia. Identifiers: Orphanet 84, MedGen C0015625, MeSH D005199, MONDO:0019391.

Submission:

Labcorp Genetics (formerly Invitae), Labcorp
Classification: Likely pathogenic for Fanconi anemia. Last evaluated: 2020-05-07. Review status: criteria provided, single submitter. Criteria: Invitae Variant Classification Sherloc (09022015). Collection method: clinical testing. Allele origin: germline.
Comment: This variant has not been reported in the literature in individuals with FANCI-related conditions. In summary, the currently available evidence indicates that the variant is pathogenic, but additional data are needed to prove that conclusively. Therefore, this variant has been classified as Likely Pathogenic. This variant disrupts the p.Cys1014 amino acid residue in FANCI. Other variant(s) that disrupt this residue have been determined to be pathogenic (PMID: 22720145, 24989076, 26590883). This suggests that this residue is clinically significant, and that variants that disrupt this residue are likely to be disease-causing. This variant is a gross deletion of the genomic region encompassing exons 25-38 of the FANCI gene. The 5' boundary is likely confined to intron 24. The 3' end of this event is unknown as it extends through the termination codon beyond the assayed region for this gene and may encompass additional genes. While this deletion is not anticipated to result in nonsense mediated decay, it is expected to create a truncated protein product or disrupt mRNA translation.

Literature cited by the submitters: PubMed 22720145; PubMed 24989076; PubMed 26590883.

NC_000015.9:g.(?_89843021)_(89860052_?)del

Genes: FANCI (FA complementation group I; plus strand), POLG (DNA polymerase gamma, catalytic subunit; minus strand). Cytogenetic location: 15q26.1.
Variant type: Deletion.
Identifiers: ClinVar variation 1067603 (VCV001067603.7).